The following is an entry in ClinVar:

NM_000038.6(APC):c.8006C>T (p.Pro2669Leu)

Gene: APC (APC regulator of Wnt signaling pathway; plus strand). Cytogenetic location: 5q22.2.
Variant type: single nucleotide variant.
Coding change: c.8006C>T on transcript NM_000038.6 (MANE Select); coding-DNA position 8006, C replaced by T.
Protein change: p.Pro2669Leu; replaces proline 2669 with leucine.
Molecular consequence: missense variant.
Genome position (GRCh38, 1-based): chr5:112,843,600, C>T. VCF-style: chr5-112843600-C-T. GRCh37 (hg19) VCF-style: chr5-112179297-C-T.
Other names: c.8006C>T, p.Pro2669Leu (NM_001127510.3, NM_001354895.2, NM_001407450.1); c.7952C>T, p.Pro2651Leu (NM_001127511.3); c.8060C>T, p.Pro2687Leu (NM_001354896.2, NM_001407447.1, NM_001407448.1 and 1 more transcripts); c.8036C>T, p.Pro2679Leu (NM_001354897.2); c.7931C>T, p.Pro2644Leu (NM_001354898.2); c.7922C>T, p.Pro2641Leu (NM_001354899.2); c.7883C>T, p.Pro2628Leu (NM_001354900.2); c.7829C>T, p.Pro2610Leu (NM_001354901.2, NM_001407453.1); and 11 more; short protein forms P2285L, P2386L, P2509L, P2540L, P2543L, P2568L, P2578L, P2586L.
Identifiers: ClinVar variation 1721928 (VCV001721928.6), dbSNP rs1335624903, ClinGen allele CA16038726.

ClinVar aggregate classification (germline): Uncertain significance (1 of 4 stars; one submission).

Conditions:
Familial adenomatous polyposis 1 (FAP1). Also called: FAMILIAL ADENOMATOUS POLYPOSIS 1, ATTENUATED; POLYPOSIS, ADENOMATOUS INTESTINAL. Identifiers: MedGen C2713442, MONDO:0021056, OMIM 175100. Disease mechanism: loss of function.

Submission:

Labcorp Genetics (formerly Invitae), Labcorp
Classification: Uncertain significance for Familial adenomatous polyposis 1. Last evaluated: 2022-10-20. Review status: criteria provided, single submitter. Criteria: Invitae Variant Classification Sherloc (09022015). Collection method: clinical testing. Allele origin: germline.
Comment: In summary, the available evidence is currently insufficient to determine the role of this variant in disease. Therefore, it has been classified as a Variant of Uncertain Significance. Advanced modeling of protein sequence and biophysical properties (such as structural, functional, and spatial information, amino acid conservation, physicochemical variation, residue mobility, and thermodynamic stability) performed at Invitae indicates that this missense variant is not expected to disrupt APC protein function. This variant has not been reported in the literature in individuals affected with APC-related conditions. This variant is not present in population databases (gnomAD no frequency). This sequence change replaces proline, which is neutral and non-polar, with leucine, which is neutral and non-polar, at codon 2669 of the APC protein (p.Pro2669Leu).